The following is an entry in ClinVar:

NM_017780.4(CHD7):c.1853A>G (p.Asp618Gly)

Genes: CHD7 (chromodomain helicase DNA binding protein 7; plus strand), LOC126860403 (CDK7 strongly-dependent group 2 enhancer GRCh37_chr8:61693034-61694233; plus strand). Cytogenetic location: 8q12.2.
Variant type: single nucleotide variant.
Coding change: c.1853A>G on transcript NM_017780.4 (MANE Select); coding-DNA position 1853, A replaced by G.
Protein change: p.Asp618Gly; replaces aspartic acid 618 with glycine.
Molecular consequence: missense variant. On other transcripts: intron variant (1).
Genome position (GRCh38, 1-based): chr8:60,781,187, A>G. VCF-style: chr8-60781187-A-G. GRCh37 (hg19) VCF-style: chr8-61693746-A-G.
Other names: c.1716+137A>G (NM_001316690.1); short protein forms D618G.
Identifiers: ClinVar variation 2291871 (VCV002291871.4), dbSNP rs1586316925, ClinGen allele CA371312484.
Genomic context (GRCh38, chr8:60,781,187, plus strand): 5'-AGAAGAAAAAGAAAAACAACCACATTGTAGCAGAGGATCCCAGTAAAGGTTTTGGTAAAG[A>G]TGACTTCCCTGGTGGGGTAGATAACCAAGAACTAAATAGGAACTCACTGGATGGGTCCCA-3'
Protein context (NP_060250.2, residues 608-628): AEDPSKGFGK[Asp618Gly]DFPGGVDNQE

ClinVar aggregate classification (germline): Uncertain significance. Review status: criteria provided, multiple submitters, no conflicts (2 of 4 stars). 2 submissions from 2 submitters: Uncertain significance (2). Last evaluated 2024-11-13.

Conditions:
CHARGE syndrome (CHARGE). Also called: Hittner Hirsch Kreh syndrome; CHARGE ASSOCIATION--COLOBOMA, HEART ANOMALY, CHOANAL ATRESIA, RETARDATION, GENITAL AND EAR ANOMALIES; Coloboma, heart anomaly, choanal atresia, retardation, genital and ear anomalies; CHARGE association; Hall-Hittner syndrome. Identifiers: Orphanet 138, MedGen C0265354, MONDO:0008965.
Inborn genetic diseases. Identifiers: MedGen C0950123, MeSH D030342.

Submissions (2):

Labcorp Genetics (formerly Invitae), Labcorp
Classification: Uncertain significance for CHARGE syndrome. Last evaluated: 2024-11-13. Review status: criteria provided, single submitter. Criteria: Invitae Variant Classification Sherloc (09022015). Collection method: clinical testing. Allele origin: germline.
Comment: This sequence change replaces aspartic acid, which is acidic and polar, with glycine, which is neutral and non-polar, at codon 618 of the CHD7 protein (p.Asp618Gly). This variant is not present in population databases (gnomAD no frequency). This missense change has been observed in individual(s) with Kallmann syndrome (PMID: 35047002). ClinVar contains an entry for this variant (Variation ID: 2291871). Invitae Evidence Modeling of protein sequence and biophysical properties (such as structural, functional, and spatial information, amino acid conservation, physicochemical variation, residue mobility, and thermodynamic stability) indicates that this missense variant is not expected to disrupt CHD7 protein function with a negative predictive value of 95%. In summary, the available evidence is currently insufficient to determine the role of this variant in disease. Therefore, it has been classified as a Variant of Uncertain Significance.

Ambry Genetics
Classification: Uncertain significance for Inborn genetic diseases. Last evaluated: 2022-07-08. Review status: criteria provided, single submitter. Criteria: Ambry Variant Classification Scheme 2023. Collection method: clinical testing. Allele origin: germline.

Literature cited by the submitters: PubMed 35047002 (cited by Labcorp Genetics (formerly Invitae), Labcorp and Ambry Genetics).